The following is an entry in ClinVar:

NM_173495.3(PTCHD1):c.352-4A>C

Gene: PTCHD1 (patched domain containing 1; plus strand). Cytogenetic location: Xp22.11.
Variant type: single nucleotide variant.
Coding change: c.352-4A>C on transcript NM_173495.3 (MANE Select); 4 bases into the intron before coding-DNA position 352, A replaced by C.
Molecular consequence: intron variant.
Genome position (GRCh38, 1-based): chrX:23,379,587, A>C. VCF-style: chrX-23379587-A-C. GRCh37 (hg19) VCF-style: chrX-23397704-A-C.
Identifiers: ClinVar variation 4882240 (VCV004882240.2).
Genomic context (GRCh38, chrX:23,379,587, plus strand): 5'-CCTCTCCAAAAAATAAAAATAGAAATATTTGATTAATAAATGCTGTCATTTTTTTCCCCC[A>C]CAGTTGCATGCTGCTGTCACCAAGATCCAGGTTCCAAGGCCTGGTTTTAATTACACGTTT-3'

ClinVar aggregate classification (germline): Uncertain significance (1 of 4 stars; one submission).

gnomAD v4.1: 4 of 1,209,655 alleles (0.00033%); highest among the groups gnomAD compares: Admixed American, 0.0022%; no homozygotes.

Submission:

Dasa
Classification: Uncertain significance. Last evaluated: 2025-01-30. Review status: criteria provided, single submitter. Criteria: DASA Assertion Criteria. Collection method: clinical testing. Allele origin: germline.
Comment: NM_173495.3(PTCHD1):c.352-4A>C is a splice-region variant. This variant is rare in population databases. Computational prediction algorithms are consistent with a benign effect. The currently available literature and clinical evidence are not sufficient to establish a definitive association between this variant and the reported condition. Therefore, this variant is classified as a variant of uncertain significance.